The following is an entry in ClinVar:

ClinVar aggregate classification (germline): Uncertain significance. Review status: criteria provided, multiple submitters, no conflicts (2 of 4 stars). 2 submissions from 2 submitters: Uncertain significance (2). Last evaluated 2024-07-05.

Conditions:
Inborn genetic diseases. Identifiers: MedGen C0950123, MeSH D030342.
Acrocallosal syndrome (ACLS). Also called: Schinzel syndrome 1; Absence of corpus callosum with unusual facial appearance, mental deficiency, duplication of the halluces and polydactyly; HALLUX DUPLICATION, POSTAXIAL POLYDACTYLY, AND ABSENCE OF CORPUS CALLOSUM. Identifiers: Orphanet 36, MedGen C0796147, MONDO:0008708, OMIM 200990.

Allele frequency attached by ClinVar (database versions not stated): ExAC 0.00003; gnomAD 0.00005; TOPMed 0.00005; gnomAD exomes 0.00010; ESP Exome Variant Server 0.00015.
gnomAD v4.1: 145 of 1,610,492 alleles (0.009%); highest among the groups gnomAD compares: Non-Finnish European, 0.012%; no homozygotes.

Submissions (2):

Ambry Genetics
Classification: Uncertain significance for Inborn genetic diseases. Last evaluated: 2024-07-05. Review status: criteria provided, single submitter. Criteria: Ambry Variant Classification Scheme 2023. Collection method: clinical testing. Allele origin: germline.

Labcorp Genetics (formerly Invitae), Labcorp
Classification: Uncertain significance for Acrocallosal syndrome. Last evaluated: 2022-05-12. Review status: criteria provided, single submitter. Criteria: Invitae Variant Classification Sherloc (09022015). Collection method: clinical testing. Allele origin: germline.
Comment: This sequence change replaces asparagine, which is neutral and polar, with serine, which is neutral and polar, at codon 642 of the KIF7 protein (p.Asn642Ser). This variant is present in population databases (rs374723046, gnomAD 0.02%). This variant has not been reported in the literature in individuals affected with KIF7-related conditions. Algorithms developed to predict the effect of missense changes on protein structure and function are either unavailable or do not agree on the potential impact of this missense change (SIFT: "Deleterious"; PolyPhen-2: "Benign"; Align-GVGD: "Class C0"). Algorithms developed to predict the effect of sequence changes on RNA splicing suggest that this variant may create or strengthen a splice site. In summary, the available evidence is currently insufficient to determine the role of this variant in disease. Therefore, it has been classified as a Variant of Uncertain Significance.

NM_198525.3(KIF7):c.1925A>G (p.Asn642Ser)

Gene: KIF7 (kinesin family member 7; minus strand). Cytogenetic location: 15q26.1.
Variant type: single nucleotide variant.
Coding change: c.1925A>G on transcript NM_198525.3 (MANE Select); coding-DNA position 1925, A replaced by G.
Protein change: p.Asn642Ser; replaces asparagine 642 with serine.
Molecular consequence: missense variant.
Genome position (GRCh38, 1-based): chr15:89,645,449, T>C on the plus strand (A>G on the coding strand, the complement: KIF7 is on the minus strand). VCF-style: chr15-89645449-T-C. GRCh37 (hg19) VCF-style: chr15-90188680-T-C.
Other names: c.1925A>G (NM_198525.2); short protein forms N642S.
Identifiers: ClinVar variation 2169251 (VCV002169251.2), dbSNP rs374723046, ClinGen allele CA7728393.